The following is an entry in ClinVar:

ClinVar aggregate classification (germline): Uncertain significance (1 of 4 stars; one submission).

gnomAD v4.1: 1 of 1,614,056 alleles (0.000062%); no homozygotes.

Submission:

Labcorp Genetics (formerly Invitae), Labcorp
Classification: Uncertain significance. Last evaluated: 2025-07-07. Review status: criteria provided, single submitter. Criteria: Invitae Variant Classification Sherloc (09022015). Collection method: clinical testing. Allele origin: germline.
Comment: This sequence change replaces valine, which is neutral and non-polar, with isoleucine, which is neutral and non-polar, at codon 1154 of the CDH23 protein (p.Val1154Ile). This variant is present in population databases (no rsID available, gnomAD no frequency). This variant has not been reported in the literature in individuals affected with CDH23-related conditions. ClinVar contains an entry for this variant (Variation ID: 1962977). An algorithm developed to predict the effect of missense changes on protein structure and function outputs the following: PolyPhen-2: "Not Available". The isoleucine amino acid residue is found in multiple mammalian species, which suggests that this missense change does not adversely affect protein function. In summary, the available evidence is currently insufficient to determine the role of this variant in disease. Therefore, it has been classified as a Variant of Uncertain Significance.

NM_022124.6(CDH23):c.3460G>A (p.Val1154Ile)

Genes: C10orf105 (chromosome 10 open reading frame 105; minus strand), CDH23 (cadherin related 23; plus strand). Cytogenetic location: 10q22.1.
Variant type: single nucleotide variant.
Coding change: c.3460G>A on transcript NM_022124.6 (MANE Select); coding-DNA position 3460, G replaced by A.
Protein change: p.Val1154Ile; replaces valine 1154 with isoleucine.
Molecular consequence: missense variant. On other transcripts: intron variant (1).
Genome position (GRCh38, 1-based): chr10:71,725,401, G>A. VCF-style: chr10-71725401-G-A. GRCh37 (hg19) VCF-style: chr10-73485158-G-A.
Other names: c.3460G>A, p.Val1154Ile (NM_001171930.2); c.-5-9059C>T (NM_001168390.2); short protein forms V1154I.
Identifiers: ClinVar variation 1962977 (VCV001962977.5), dbSNP rs1474418748, ClinGen allele CA377152147.